The following is an entry in ClinVar:

NM_001953.5(TYMP):c.798_801dup (p.Ala268fs)

Gene: TYMP (thymidine phosphorylase; minus strand). Cytogenetic location: 22q13.33.
Variant type: Microsatellite.
Coding change: c.798_801dup on transcript NM_001953.5 (MANE Select); coding-DNA positions 798 to 801, 4 bases duplicated (CGCG; older notation c.798_801dupCGCG).
Protein change: p.Ala268fs; shifts the reading frame from alanine 268.
Molecular consequence: frameshift variant.
Genome position (GRCh38, 1-based): chr22:50,526,703-50,526,706, CGCG duplicated on the plus strand (CGCG on the coding strand, the reverse complement: TYMP is on the minus strand). VCF-style (leftmost placement, unchanged base first): chr22-50526702-C-CCGCG. GRCh37 (hg19) VCF-style: chr22-50965131-C-CCGCG.
Other names: c.798_801dup, p.Ala268fs (NM_001113755.3, NM_001113756.3, NM_001257988.1 and 1 more transcripts); c.798_801dupCGCG (NM_001953.4); short protein forms A268fs.
Identifiers: ClinVar variation 853473 (VCV000853473.12), dbSNP rs761608162, ClinGen allele CA10321556.

ClinVar aggregate classification (germline): Pathogenic/Likely pathogenic. Review status: criteria provided, multiple submitters, no conflicts (2 of 4 stars). 4 submissions from 4 submitters: Pathogenic (3); Likely pathogenic (1). Last evaluated 2026-04-07.

Conditions:
Mitochondrial DNA depletion syndrome 1. Also called: Mitochondrial neurogastrointestinal encephalomyopathy syndrome; Mitochondrial Neurogastrointestinal Encephalopathy Disease; MITOCHONDRIAL NEUROGASTROINTESTINAL ENCEPHALOPATHY SYNDROME, TYMP-RELATED; MNGIE, TYMP-RELATED; POLIP SYNDROME; POLYNEUROPATHY, OPHTHALMOPLEGIA, LEUKOENCEPHALOPATHY, AND INTESTINAL PSEUDOOBSTRUCTION. Identifiers: Orphanet 298, MedGen C4551995, MONDO:0011283, OMIM 603041.
Mitochondrial neurogastrointestinal encephalomyopathy. Also called: Mitochondrial neurogastrointestinal encephalopathy syndrome; MNGIE syndrome; Thymidine phosphorylase deficiency. Identifiers: Orphanet 298, MedGen C0872218, MONDO:0017575.

Submissions (4):

Myriad Genetics, Inc.
Classification: Pathogenic for Mitochondrial DNA depletion syndrome 1. Last evaluated: 2026-04-07. Review status: criteria provided, single submitter. Criteria: Myriad Autosomal Dominant, Autosomal Recessive and X-Linked Classification Criteria (2023). Collection method: clinical testing. Allele origin: unknown.
Comment: NM_001953.4(TYMP):c.798_801dupCGCG(A268Rfs*?) is a readthrough frameshift variant classified as pathogenic in the context of mitochondrial neurogastrointestinal encephalopathy disease. A268Rfs*? has been observed in cases with relevant disease (PMID: 30775048, 33825174). Relevant functional assessments of this variant are not available in the literature. Internal structural analysis of the variant is supportive of pathogenicity. A268Rfs*? has been observed in referenced population frequency databases. In summary, NM_001953.4(TYMP):c.798_801dupCGCG(A268Rfs*?) is a readthrough frameshift variant that has functional support for pathogenicity and has been observed more frequently in cases with the relevant disease than in healthy populations. Please note: this variant was assessed in the context of healthy population screening.

Natera, Inc.
Classification: Likely pathogenic for Mitochondrial neurogastrointestinal encephalomyopathy. Last evaluated: 2024-10-15. Review status: criteria provided, single submitter. Criteria: Natera Variant Classification Schema (03/2026). Collection method: clinical testing. Allele origin: germline.
Comment: The c.798_801dupCGCG variant in TYMP is a frameshift variant predicted to elongate the protein beyond the termination codon. This variant is expected to result in nonsense mediated decay, truncation, or a dysfunctional protein product. This variant is rare in the general population with a frequency below the threshold expected for the associated phenotype(s). This variant has been observed in one or more individuals affected with the associated recessive disease, as either homozygous or compound heterozygous with a second variant (PMID: 30775048, 33825174). Additionally, this variant has been observed to segregate in affected family members (PMID: 30775048). Given the available evidence, this variant is classified as Likely Pathogenic.

Fulgent Genetics
Classification: Pathogenic for Mitochondrial DNA depletion syndrome 1. Last evaluated: 2024-06-11. Review status: criteria provided, single submitter. Criteria: ACMG Guidelines, 2015. Collection method: clinical testing. Allele origin: germline.

Labcorp Genetics (formerly Invitae), Labcorp
Classification: Pathogenic. Last evaluated: 2022-11-22. Review status: criteria provided, single submitter. Criteria: Invitae Variant Classification Sherloc (09022015). Collection method: clinical testing. Allele origin: germline.
Comment: This sequence change results in a frameshift in the TYMP gene (p.Ala268Argfs*). While this is not anticipated to result in nonsense mediated decay, it is expected to disrupt the last 215 amino acid(s) of the TYMP protein and extend the protein by an uncertain number of additional amino acid residues. This variant is present in population databases (rs761608162, gnomAD 0.004%). This frameshift has been observed in individual(s) with mitochondrial neurogastrointestinal encephalomyopathy (PMID: 30775048, 33825174). It has also been observed to segregate with disease in related individuals. ClinVar contains an entry for this variant (Variation ID: 853473). This variant disrupts the C-terminus of the TYMP protein. Other variant(s) that disrupt this region (p.Ser471Leufs*?, p.Gly405Argfs*?, p.Ala348Glyfs*?) have been observed in individuals with TYMP-related conditions (PMID: 9924029, 14720311, 21412940). This suggests that this may be a clinically significant region of the protein. For these reasons, this variant has been classified as Pathogenic.

Literature cited by the submitters: PubMed 30775048 (cited by 3 submitters); PubMed 33825174 (cited by 3 submitters); PubMed 9924029 (cited by Labcorp Genetics (formerly Invitae), Labcorp); PubMed 14720311 (cited by Labcorp Genetics (formerly Invitae), Labcorp); PubMed 21412940 (cited by Labcorp Genetics (formerly Invitae), Labcorp).